The following is an entry in ClinVar:

NM_020975.6(RET):c.3202A>T (p.Asn1068Tyr)

Gene: RET (ret proto-oncogene; plus strand). Cytogenetic location: 10q11.21.
Variant type: single nucleotide variant.
Coding change: c.3202A>T on transcript NM_020975.6 (MANE Select); coding-DNA position 3202, A replaced by T.
Protein change: p.Asn1068Tyr; replaces asparagine 1068 with tyrosine.
Molecular consequence: missense variant. On other transcripts: 3 prime UTR variant (18), intron variant (3).
Genome position (GRCh38, 1-based): chr10:43,128,126, A>T. VCF-style: chr10-43128126-A-T. GRCh37 (hg19) VCF-style: chr10-43623574-A-T.
Other names: c.*1372A>T (NM_001355216.2, NM_001406764.1, NM_001406765.1 and 15 more transcripts); c.3202A>T, p.Asn1068Tyr (NM_001406743.1); c.3142A>T, p.Asn1048Tyr (NM_001406759.1, NM_001406760.1); c.3073A>T, p.Asn1025Tyr (NM_001406761.1, NM_001406762.1); c.3067A>T, p.Asn1023Tyr (NM_001406763.1); c.2914A>T, p.Asn972Tyr (NM_001406766.1, NM_001406767.1); c.2806A>T, p.Asn936Tyr (NM_001406769.1); c.2764A>T, p.Asn922Tyr (NM_001406771.1); and 10 more; short protein forms N1048Y, N673Y, N806Y, N1023Y, N769Y, N826Y, N922Y, N1025Y.
Identifiers: ClinVar variation 3788331 (VCV003788331.1).

ClinVar aggregate classification (germline): Uncertain significance (1 of 4 stars; one submission).

Conditions:
Hereditary cancer-predisposing syndrome. Also called: Neoplastic Syndromes, Hereditary; Hereditary Cancer Syndrome; Tumor predisposition; Hereditary neoplastic syndrome. Identifiers: Orphanet 140162, MedGen C0027672, MeSH D009386, MONDO:0015356.

Submission:

Ambry Genetics
Classification: Uncertain significance for Hereditary cancer-predisposing syndrome. Last evaluated: 2025-01-21. Review status: criteria provided, single submitter. Criteria: Ambry Variant Classification Scheme 2023. Collection method: clinical testing. Allele origin: germline.
Comment: The p.N1068Y variant (also known as c.3202A>T), located in coding exon 20 of the RET gene, results from an A to T substitution at nucleotide position 3202. The asparagine at codon 1068 is replaced by tyrosine, an amino acid with dissimilar properties. This amino acid position is conserved. In addition, the in silico prediction for this alteration is inconclusive. Based on the available evidence, the clinical significance of this variant remains unclear.